The following is an entry in ClinVar:

NM_000170.3(GLDC):c.2926G>A (p.Val976Met)

Gene: GLDC (glycine decarboxylase; minus strand). Cytogenetic location: 9p24.1.
Variant type: single nucleotide variant.
Coding change: c.2926G>A on transcript NM_000170.3 (MANE Select); coding-DNA position 2926, G replaced by A.
Protein change: p.Val976Met; replaces valine 976 with methionine.
Molecular consequence: missense variant.
Genome position (GRCh38, 1-based): chr9:6,533,154, C>T on the plus strand (G>A on the coding strand, the complement: GLDC is on the minus strand). VCF-style: chr9-6533154-C-T. GRCh37 (hg19) VCF-style: chr9-6533154-C-T.
Other names: short protein forms V976M.
Identifiers: ClinVar variation 649372 (VCV000649372.10), dbSNP rs150624881, ClinGen allele CA4979995.
Genomic context (GRCh38, chr9:6,533,154, plus strand): 5'-GATCTCCATATATGTCATCAATCCGGGCAATCGTTGGCCAGAATTTGTTCTCTGGTTTCA[C>T]GAAGGGCTGCAAAGGACAAAAGATGGAAATGCTGTGAGATGTTCTGGGAGGTTTCTCTTA-3'
Protein context (NP_000161.2, residues 966-986): REVAAFPLPF[Val976Met]KPENKFWPTI

ClinVar aggregate classification (germline): Uncertain significance. Review status: criteria provided, multiple submitters, no conflicts (2 of 4 stars). 5 submissions from 5 submitters: Uncertain significance (4). 1 of the submissions does not count toward it. Last evaluated 2025-09-23.

Conditions:
Inborn genetic diseases. Identifiers: MedGen C0950123, MeSH D030342.
Glycine encephalopathy. Also called: Non-ketotic hyperglycinemia; Nonketotic hyperglycinemia. Identifiers: Orphanet 407, MedGen C0751748, MONDO:0011612, HP:0008288.

Allele frequency attached by ClinVar (database versions not stated): gnomAD 0.00003 and 0.00013; gnomAD exomes 0.00003; TOPMed 0.00003; ExAC 0.00006; 1000 Genomes Project 30x 0.00047; 1000 Genomes Project 0.00060.
gnomAD v4.1: 298 of 1,613,586 alleles (0.018%); highest among the groups gnomAD compares: East Asian, 0.64%; no homozygotes.

Submissions (5):

Ambry Genetics
Classification: Uncertain significance for Inborn genetic diseases. Last evaluated: 2025-09-23. Review status: criteria provided, single submitter. Criteria: Ambry Variant Classification Scheme 2023. Collection method: clinical testing. Allele origin: germline.

GeneDx
Classification: Uncertain significance. Last evaluated: 2024-10-23. Review status: criteria provided, single submitter. Criteria: GeneDx Variant Classification Process June 2021. Collection method: clinical testing. Allele origin: germline. Affected: yes.
Comment: In silico analysis indicates that this missense variant does not alter protein structure/function; Has not been previously published as pathogenic or benign to our knowledge

Labcorp Genetics (formerly Invitae), Labcorp
Classification: Uncertain significance for Glycine encephalopathy. Last evaluated: 2022-11-01. Review status: criteria provided, single submitter. Criteria: Invitae Variant Classification Sherloc (09022015). Collection method: clinical testing. Allele origin: germline.
Comment: This sequence change replaces valine, which is neutral and non-polar, with methionine, which is neutral and non-polar, at codon 976 of the GLDC protein (p.Val976Met). This variant is present in population databases (rs150624881, gnomAD 0.03%). This variant has not been reported in the literature in individuals affected with GLDC-related conditions. ClinVar contains an entry for this variant (Variation ID: 649372). Advanced modeling of protein sequence and biophysical properties (such as structural, functional, and spatial information, amino acid conservation, physicochemical variation, residue mobility, and thermodynamic stability) performed at Invitae indicates that this missense variant is not expected to disrupt GLDC protein function. In summary, the available evidence is currently insufficient to determine the role of this variant in disease. Therefore, it has been classified as a Variant of Uncertain Significance.

Illumina Laboratory Services, Illumina
Classification: Uncertain significance for Glycine encephalopathy 1. Last evaluated: 2018-01-13. Review status: criteria provided, single submitter. Criteria: ICSL Variant Classification Criteria 13 December 2019. Collection method: clinical testing. Allele origin: germline.

Natera, Inc.
Classification: Uncertain significance for Non-ketotic hyperglycinemia. Last evaluated: 2020-02-21. Review status: no assertion criteria provided. Collection method: clinical testing. Allele origin: germline. Not counted in ClinVar's aggregate classification.